The following is an entry in ClinVar:

ClinVar aggregate classification (germline): Uncertain significance (1 of 4 stars; one submission).

Submission:

Labcorp Genetics (formerly Invitae), Labcorp
Classification: Uncertain significance. Last evaluated: 2023-10-13. Review status: criteria provided, single submitter. Criteria: Invitae Variant Classification Sherloc (09022015). Collection method: clinical testing. Allele origin: germline.
Comment: This variant results in a copy number gain of the genomic region encompassing exon(s) 2-5 of the NFKB1 gene. This region includes the initiator codon of the gene. This copy number gain extends beyond the assayed region for this gene and therefore may encompass additional genes. As the precise location of this event is unknown, it may be in tandem or it may be located elsewhere in the genome. This variant has not been reported in the literature in individuals affected with NFKB1-related conditions. In summary, the available evidence is currently insufficient to determine the role of this variant in disease. Therefore, it has been classified as a Variant of Uncertain Significance.

NC_000004.11:g.(?_103446676)_(103459133_?)dup

Gene: NFKB1 (nuclear factor kappa B subunit 1; plus strand). Cytogenetic location: 4q24.
Variant type: Duplication.
Identifiers: ClinVar variation 2424807 (VCV002424807.4).